The following is an entry in ClinVar:

NM_005751.5(AKAP9):c.4322AAG[2] (p.Glu1443del)

Gene: AKAP9 (A-kinase anchoring protein 9; plus strand). Cytogenetic location: 7q21.2.
Variant type: Microsatellite.
Coding change: c.4322AAG[2] on transcript NM_005751.5 (MANE Select); two copies in a row of the 3-base unit AAG starting at c.4322; the reference has three copies in a row; one copy, 3 bases deleted.
Protein change: p.Glu1443del; deletes glutamic acid 1443.
Molecular consequence: inframe deletion.
Genome position (GRCh38, 1-based): chr7:92,031,594-92,031,596, AAG deleted; deleting any 3 consecutive bases within chr7:92,031,586-92,031,596 gives the same sequence; the position shown is the placement nearest the transcript's 3' end. VCF-style (leftmost placement, unchanged base first): chr7-92031585-TAGA-T. GRCh37 (hg19) VCF-style: chr7-91660899-TAGA-T.
Other names: c.4322AAG[2], p.Glu1443del (NM_147185.3); short protein forms E1443del.
Identifiers: ClinVar variation 1473929 (VCV001473929.8), dbSNP rs1416485911, ClinGen allele CA456451424.

ClinVar aggregate classification (germline): Uncertain significance (1 of 4 stars; one submission).

Conditions:
Long QT syndrome (LQTS). Identifiers: MedGen C0023976, MeSH D008133, MONDO:0002442. Disease mechanism: loss of function. Inheritance: Various modes of inheritance.

Submission:

Labcorp Genetics (formerly Invitae), Labcorp
Classification: Uncertain significance for Long QT syndrome. Last evaluated: 2022-01-21. Review status: criteria provided, single submitter. Criteria: Invitae Variant Classification Sherloc (09022015). Collection method: clinical testing. Allele origin: germline.
Comment: In summary, the available evidence is currently insufficient to determine the role of this variant in disease. Therefore, it has been classified as a Variant of Uncertain Significance. Experimental studies and prediction algorithms are not available or were not evaluated, and the functional significance of this variant is currently unknown. This variant has not been reported in the literature in individuals affected with AKAP9-related conditions. This variant is present in population databases (no rsID available, gnomAD 0.005%). This variant, c.4328_4330del, results in the deletion of 1 amino acid(s) of the AKAP9 protein (p.Glu1443del), but otherwise preserves the integrity of the reading frame.